The following is an entry in ClinVar:

NM_014975.3(MAST1):c.3947C>A (p.Pro1316Gln)

Gene: MAST1 (microtubule associated serine/threonine kinase 1; plus strand). Cytogenetic location: 19p13.13.
Variant type: single nucleotide variant.
Coding change: c.3947C>A on transcript NM_014975.3 (MANE Select); coding-DNA position 3947, C replaced by A.
Protein change: p.Pro1316Gln; replaces proline 1316 with glutamine.
Molecular consequence: missense variant.
Genome position (GRCh38, 1-based): chr19:12,874,104, C>A. VCF-style: chr19-12874104-C-A. GRCh37 (hg19) VCF-style: chr19-12984918-C-A.
Other names: short protein forms P1316Q.
Identifiers: ClinVar variation 1804180 (VCV001804180.1), dbSNP rs1970277851, ClinGen allele CA404289436.

ClinVar aggregate classification (germline): Uncertain significance (1 of 4 stars; one submission).

Allele frequency attached by ClinVar (database versions not stated): TOPMed below 0.00001.
gnomAD v4.1: 1 of 1,555,708 alleles (0.000064%); highest among the groups gnomAD compares: South Asian, 0.0012%; no homozygotes.

Submission:

GeneDx
Classification: Uncertain significance. Last evaluated: 2022-12-12. Review status: criteria provided, single submitter. Criteria: GeneDx Variant Classification Process June 2021. Collection method: clinical testing. Allele origin: germline. Affected: yes.
Comment: Not observed in large population cohorts (gnomAD); In silico analysis supports that this missense variant has a deleterious effect on protein structure/function; Has not been previously published as pathogenic or benign to our knowledge